The following is an entry in ClinVar:

NM_003743.5(NCOA1):c.1130C>A (p.Thr377Asn)

Gene: NCOA1 (nuclear receptor coactivator 1; plus strand). Cytogenetic location: 2p23.3.
Variant type: single nucleotide variant.
Coding change: c.1130C>A on transcript NM_003743.5 (MANE Select); coding-DNA position 1130, C replaced by A.
Protein change: p.Thr377Asn; replaces threonine 377 with asparagine.
Molecular consequence: missense variant.
Genome position (GRCh38, 1-based): chr2:24,706,600, C>A. VCF-style: chr2-24706600-C-A. GRCh37 (hg19) VCF-style: chr2-24929469-C-A.
Other names: c.1130C>A, p.Thr377Asn (NM_001362950.1, NM_001362952.1, NM_001362954.1 and 3 more transcripts); short protein forms T377N.
Identifiers: ClinVar variation 2507866 (VCV002507866.6), dbSNP rs139389349, ClinGen allele CA1552192.

ClinVar aggregate classification (germline): Uncertain significance. Review status: criteria provided, single submitter (1 of 4 stars). 2 submissions from 2 submitters: Uncertain significance (1). 1 of the submissions does not count toward it. Last evaluated 2025-05-22.

Conditions:
NCOA1-related disorder. Also called: NCOA1-related condition.

Allele frequency attached by ClinVar (database versions not stated): gnomAD 0.00014; ESP Exome Variant Server 0.00015; 1000 Genomes Project 30x 0.00016; 1000 Genomes Project 0.00020; gnomAD exomes 0.00040; ExAC 0.00005.
gnomAD v4.1: 593 of 1,613,628 alleles (0.037%); highest among the groups gnomAD compares: Non-Finnish European, 0.049%; no homozygotes.

Submissions (2):

Ambry Genetics
Classification: Uncertain significance. Last evaluated: 2025-05-22. Review status: criteria provided, single submitter. Criteria: Ambry Variant Classification Scheme 2023. Collection method: clinical testing. Allele origin: germline.

PreventionGenetics, part of Exact Sciences
Classification: Uncertain significance for NCOA1-related condition. Last evaluated: 2024-04-08. Review status: no assertion criteria provided. Collection method: clinical testing. Allele origin: germline. Not counted in ClinVar's aggregate classification.
Comment: The NCOA1 c.1130C>A variant is predicted to result in the amino acid substitution p.Thr377Asn. This variant was reported in 7 individuals from a large cohort with severe obesity; however, no additional evidence was provided to support causation (Cacciottolo et al. 2022. PMID: 35137184). This variant is reported in 0.018% of alleles in individuals of European (Non-Finnish) descent in gnomAD. At this time, the clinical significance of this variant is uncertain due to the absence of conclusive functional and genetic evidence.